The following is an entry in ClinVar:

ClinVar aggregate classification (germline): Likely pathogenic (1 of 4 stars; one submission).

Conditions:
Neurofibromatosis, type 1 (NF1). Also called: Peripheral type neurofibromatosis; VON RECKLINGHAUSEN DISEASE; NEUROFIBROMATOSIS, TYPE I, SOMATIC; Neurofibromatosis, type I. Identifiers: Orphanet 636, MedGen C0027831, MONDO:0018975, OMIM 162200. Disease mechanism: loss of function.

Submission:

Labcorp Genetics (formerly Invitae), Labcorp
Classification: Likely pathogenic for Neurofibromatosis, type 1. Last evaluated: 2021-08-31. Review status: criteria provided, single submitter. Criteria: Invitae Variant Classification Sherloc (09022015). Collection method: clinical testing. Allele origin: germline.
Comment: This variant is a gross deletion of the genomic region encompassing exon(s) 30-33 of the NF1 gene. This variant would be expected to be in-frame, preserving the integrity of the reading frame. A similar copy number variant has been observed in individual(s) with clinical features of NF1-related conditions (Invitae). This variant disrupts the p.Arg1391 amino acid residue in NF1. Other variant(s) that disrupt this residue have been determined to be pathogenic (PMID: 24789688, 27322474; Invitae). This suggests that this residue is clinically significant, and that variants that disrupt this residue are likely to be disease-causing. In summary, the currently available evidence indicates that the variant is pathogenic, but additional data are needed to prove that conclusively. Therefore, this variant has been classified as Likely Pathogenic.

Literature cited by the submitters: PubMed 24789688; PubMed 27322474.

NC_000017.10:g.(?_29575982)_(29587553_?)del

Gene: NF1 (neurofibromin 1; plus strand). Cytogenetic location: 17q11.2.
Variant type: Deletion.
Identifiers: ClinVar variation 2422747 (VCV002422747.3).